The following is an entry in ClinVar:

NM_002206.3(ITGA7):c.206+2T>A

Gene: ITGA7 (integrin subunit alpha 7; minus strand). Cytogenetic location: 12q13.2.
Variant type: single nucleotide variant.
Coding change: c.206+2T>A on transcript NM_002206.3 (MANE Select); the canonical splice donor site of the intron after coding-DNA position 206, T replaced by A.
Molecular consequence: splice donor variant. On other transcripts: intron variant (3).
Genome position (GRCh38, 1-based): chr12:55,707,475, A>T on the plus strand (T>A on the coding strand, the complement: ITGA7 is on the minus strand). VCF-style: chr12-55707475-A-T. GRCh37 (hg19) VCF-style: chr12-56101259-A-T.
Other names: c.85+4588T>A (NM_001144997.2); c.-133-4297T>A (NM_001367993.1, NM_001414035.1); c.206+2T>A (NM_001414033.1, NM_001414032.1, NM_001414031.1 and 6 more transcripts); c.-967+2T>A (NM_001367994.1).
Identifiers: ClinVar variation 3063579 (VCV003063579.1), dbSNP rs1592496317, ClinGen allele CA385194008.

ClinVar aggregate classification (germline): Likely pathogenic (1 of 4 stars; one submission).

Conditions:
Congenital muscular dystrophy due to integrin alpha-7 deficiency. Also called: Congenital muscular dystrophy with integrin alpha-7 deficiency; Muscular dystrophy, congenital, due to ITGA7 deficiency; MYOPATHY, CONGENITAL, DUE TO INTEGRIN ALPHA-7 DEFICIENCY. Identifiers: Orphanet 34520, MedGen C2750786, MONDO:0013177, OMIM 613204.

Submission:

Institute of Immunology and Genetics Kaiserslautern
Classification: Likely pathogenic for Congenital muscular dystrophy due to integrin alpha-7 deficiency. Last evaluated: 2024-03-11. Review status: criteria provided, single submitter. Criteria: ACMG Guidelines, 2015. Collection method: clinical testing. Allele origin: germline. Affected: yes.
Comment: ACMG Criteria: PVS1, PM2; Variant was found in homozygous state